The following is an entry in ClinVar:

ClinVar aggregate classification (germline): Uncertain significance (1 of 4 stars; one submission).

Allele frequency attached by ClinVar (database versions not stated): ExAC 0.00002; gnomAD exomes 0.00002.
gnomAD v4.1: 13 of 1,613,912 alleles (0.00081%); highest among the groups gnomAD compares: Non-Finnish European, 0.0011%; no homozygotes.

Submission:

Labcorp Genetics (formerly Invitae), Labcorp
Classification: Uncertain significance. Last evaluated: 2024-03-18. Review status: criteria provided, single submitter. Criteria: Invitae Variant Classification Sherloc (09022015). Collection method: clinical testing. Allele origin: germline.
Comment: This sequence change replaces proline, which is neutral and non-polar, with threonine, which is neutral and polar, at codon 226 of the REPS1 protein (p.Pro226Thr). This variant is present in population databases (rs758410757, gnomAD 0.004%). This variant has not been reported in the literature in individuals affected with REPS1-related conditions. ClinVar contains an entry for this variant (Variation ID: 1498338). Advanced modeling of protein sequence and biophysical properties (such as structural, functional, and spatial information, amino acid conservation, physicochemical variation, residue mobility, and thermodynamic stability) performed at Invitae indicates that this missense variant is not expected to disrupt REPS1 protein function with a negative predictive value of 80%. In summary, the available evidence is currently insufficient to determine the role of this variant in disease. Therefore, it has been classified as a Variant of Uncertain Significance.

NM_001286611.2(REPS1):c.676C>A (p.Pro226Thr)

Gene: REPS1 (RALBP1 associated Eps domain containing 1; minus strand). Cytogenetic location: 6q24.1.
Variant type: single nucleotide variant.
Coding change: c.676C>A on transcript NM_001286611.2 (MANE Select); coding-DNA position 676, C replaced by A.
Protein change: p.Pro226Thr; replaces proline 226 with threonine.
Molecular consequence: missense variant.
Genome position (GRCh38, 1-based): chr6:138,944,575, G>T on the plus strand (C>A on the coding strand, the complement: REPS1 is on the minus strand). VCF-style: chr6-138944575-G-T. GRCh37 (hg19) VCF-style: chr6-139265712-G-T.
Other names: c.676C>A, p.Pro226Thr (NM_001128617.3, NM_001286612.2, NM_031922.5); short protein forms P226T.
Identifiers: ClinVar variation 1498338 (VCV001498338.8), dbSNP rs758410757, ClinGen allele CA4024386.